The following is an entry in ClinVar:

ClinVar aggregate classification (germline): Uncertain significance (1 of 4 stars; one submission).

Submission:

Labcorp Genetics (formerly Invitae), Labcorp
Classification: Uncertain significance. Last evaluated: 2025-01-06. Review status: criteria provided, single submitter. Criteria: Invitae Variant Classification Sherloc (09022015). Collection method: clinical testing. Allele origin: germline.
Comment: This sequence change replaces glycine, which is neutral and non-polar, with cysteine, which is neutral and slightly polar, at codon 3563 of the HUWE1 protein (p.Gly3563Cys). This variant is not present in population databases (gnomAD no frequency). This variant has not been reported in the literature in individuals affected with HUWE1-related conditions. ClinVar contains an entry for this variant (Variation ID: 2815000). Invitae Evidence Modeling of protein sequence and biophysical properties (such as structural, functional, and spatial information, amino acid conservation, physicochemical variation, residue mobility, and thermodynamic stability) indicates that this missense variant is not expected to disrupt HUWE1 protein function with a negative predictive value of 95%. In summary, the available evidence is currently insufficient to determine the role of this variant in disease. Therefore, it has been classified as a Variant of Uncertain Significance.

NM_031407.7(HUWE1):c.10687G>T (p.Gly3563Cys)

Gene: HUWE1 (HECT, UBA and WWE domain containing E3 ubiquitin protein ligase 1; minus strand). Cytogenetic location: Xp11.22.
Variant type: single nucleotide variant.
Coding change: c.10687G>T on transcript NM_031407.7 (MANE Select); coding-DNA position 10687, G replaced by T.
Protein change: p.Gly3563Cys; replaces glycine 3563 with cysteine.
Molecular consequence: missense variant.
Genome position (GRCh38, 1-based): chrX:53,546,775, C>A on the plus strand (G>T on the coding strand, the complement: HUWE1 is on the minus strand). VCF-style: chrX-53546775-C-A. GRCh37 (hg19) VCF-style: chrX-53573736-C-A.
Other names: short protein forms G3563C.
Identifiers: ClinVar variation 2815000 (VCV002815000.3), dbSNP rs2523030648, ClinGen allele CA413135057.
Genomic context (GRCh38, chrX:53,546,775, plus strand): 5'-GCTGTAGCTGGTTTTCAGTGAGGCCAGAGGACACCATCTTAAAGTCTGTACTGCTGCTGC[C>A]CCCATCACTCACCTTCGCTGGAGATTTGCTGCCCTTAGTAGTGGGAGAAACTTTGAGGAA-3'
Protein context (NP_113584.3, residues 3553-3573): SKSPAKVSDG[Gly3563Cys]SSSTDFKMVS